The following is an entry in ClinVar:

NM_001384732.1(CPLANE1):c.214A>T (p.Asn72Tyr)

Gene: CPLANE1 (ciliogenesis and planar polarity effector complex subunit 1; minus strand). Cytogenetic location: 5p13.2.
Variant type: single nucleotide variant.
Coding change: c.214A>T on transcript NM_001384732.1 (MANE Select); coding-DNA position 214, A replaced by T.
Protein change: p.Asn72Tyr; replaces asparagine 72 with tyrosine.
Molecular consequence: missense variant.
Genome position (GRCh38, 1-based): chr5:37,245,713, T>A on the plus strand (A>T on the coding strand, the complement: CPLANE1 is on the minus strand). VCF-style: chr5-37245713-T-A. GRCh37 (hg19) VCF-style: chr5-37245815-T-A.
Other names: c.214A>T, p.Asn72Tyr (NM_023073.4); short protein forms N72Y.
Identifiers: ClinVar variation 2865445 (VCV002865445.3), dbSNP rs2548956108, ClinGen allele CA359524045.
Genomic context (GRCh38, chr5:37,245,713, plus strand): 5'-CCCTAAGTTATTAAAAAATATAGTTTTAGCCATTTGAAAATATCAGTACTACTTAACCAT[T>A]ACTGGATGTTGTTAGGACAATAACATCCTTCAAGAAAGGCTGCAGACTAGGAATTTTCTT-3'
Protein context (NP_001371661.1, residues 62-82): KDVIVLTTSS[Asn72Tyr]DAWLAGVLTT

ClinVar aggregate classification (germline): Uncertain significance (1 of 4 stars; one submission).

gnomAD v4.1: 1 of 1,511,282 alleles (0.000066%); no homozygotes.

Submission:

Labcorp Genetics (formerly Invitae), Labcorp
Classification: Uncertain significance. Last evaluated: 2023-05-18. Review status: criteria provided, single submitter. Criteria: Invitae Variant Classification Sherloc (09022015). Collection method: clinical testing. Allele origin: germline.
Comment: This sequence change replaces asparagine, which is neutral and polar, with tyrosine, which is neutral and polar, at codon 72 of the CPLANE1 protein (p.Asn72Tyr). In summary, the available evidence is currently insufficient to determine the role of this variant in disease. Therefore, it has been classified as a Variant of Uncertain Significance. Advanced modeling of protein sequence and biophysical properties (such as structural, functional, and spatial information, amino acid conservation, physicochemical variation, residue mobility, and thermodynamic stability) performed at Invitae indicates that this missense variant is expected to disrupt CPLANE1 protein function. This variant has not been reported in the literature in individuals affected with CPLANE1-related conditions. This variant is not present in population databases (gnomAD no frequency).